The following is an entry in ClinVar:

ClinVar aggregate classification (germline): Benign/Likely benign. Review status: criteria provided, multiple submitters, no conflicts (2 of 4 stars). 3 submissions from 3 submitters: Benign (1); Likely benign (2). Last evaluated 2025-09-25.

Conditions:
Hereditary cancer-predisposing syndrome. Also called: Hereditary neoplastic syndrome; Hereditary Cancer Syndrome; Neoplastic Syndromes, Hereditary; Tumor predisposition. Identifiers: Orphanet 140162, MedGen C0027672, MeSH D009386, MONDO:0015356.
Hereditary diffuse gastric adenocarcinoma (HDGC). Also called: DIFFUSE GASTRIC AND LOBULAR BREAST CANCER SYNDROME. Identifiers: Orphanet 26106, MedGen C1708349, MONDO:0007648, OMIM 137215.

Submissions (3):

Ambry Genetics
Classification: Likely benign for Hereditary cancer-predisposing syndrome. Last evaluated: 2025-09-25. Review status: criteria provided, single submitter. Criteria: Ambry Variant Classification Scheme 2023. Collection method: clinical testing. Allele origin: germline.

Myriad Genetics, Inc.
Classification: Benign for Hereditary diffuse gastric adenocarcinoma. Last evaluated: 2024-09-12. Review status: criteria provided, single submitter. Criteria: Myriad Autosomal Dominant, Autosomal Recessive and X-Linked Classification Criteria (2023). Collection method: clinical testing. Allele origin: unknown.
Comment: This variant is considered benign. This variant is a silent/synonymous amino acid change and it is not expected to impact splicing.

Labcorp Genetics (formerly Invitae), Labcorp
Classification: Likely benign for Hereditary diffuse gastric adenocarcinoma. Last evaluated: 2021-10-07. Review status: criteria provided, single submitter. Criteria: Invitae Variant Classification Sherloc (09022015). Collection method: clinical testing. Allele origin: germline.

NM_004360.5(CDH1):c.390C>T (p.Ala130=)

Gene: CDH1 (cadherin 1; plus strand). Cytogenetic location: 16q22.1.
Variant type: single nucleotide variant.
Coding change: c.390C>T on transcript NM_004360.5 (MANE Select); coding-DNA position 390, C replaced by T.
Protein change: p.Ala130=; no amino-acid change (alanine 130 retained).
Molecular consequence: synonymous variant. On other transcripts: 5 prime UTR variant (2).
Genome position (GRCh38, 1-based): chr16:68,808,426, C>T. VCF-style: chr16-68808426-C-T. GRCh37 (hg19) VCF-style: chr16-68842329-C-T.
Other names: c.390C>T (NM_004360.3); c.390C>T, p.Ala130= (NM_001317184.2); c.-1226C>T (NM_001317185.2); c.-1430C>T (NM_001317186.2).
Identifiers: ClinVar variation 1608796 (VCV001608796.10), dbSNP rs1555515177, ClinGen allele CA496152736.